The following is an entry in ClinVar:

NM_001369.3(DNAH5):c.11131del (p.Thr3711fs)

Gene: DNAH5 (dynein axonemal heavy chain 5; minus strand). Cytogenetic location: 5p15.2.
Variant type: Deletion.
Coding change: c.11131del on transcript NM_001369.3 (MANE Select); coding-DNA position 11131, one base deleted (A; older notation c.11131delA).
Protein change: p.Thr3711fs; shifts the reading frame from threonine 3711.
Molecular consequence: frameshift variant.
Genome position (GRCh38, 1-based): chr5:13,751,158, T deleted on the plus strand (A on the coding strand, the reverse complement: DNAH5 is on the minus strand). VCF-style (leftmost placement, unchanged base first): chr5-13751157-GT-G. GRCh37 (hg19) VCF-style: chr5-13751266-GT-G.
Other names: short protein forms T3711fs.
Identifiers: ClinVar variation 5013830 (VCV005013830.1).

ClinVar aggregate classification (germline): Pathogenic (1 of 4 stars; one submission).

Conditions:
Primary ciliary dyskinesia 3. Identifiers: Orphanet 244, MedGen C1837618, MONDO:0012085, OMIM 608644.

Submission:

Myriad Genetics, Inc.
Classification: Pathogenic for Primary ciliary dyskinesia 3. Last evaluated: 2024-12-03. Review status: criteria provided, single submitter. Criteria: Myriad Autosomal Dominant, Autosomal Recessive and X-Linked Classification Criteria (2023). Collection method: clinical testing. Allele origin: unknown.
Comment: NM_001369.2(DNAH5):c.11131delA(T3711Pfs*10) is expected to be pathogenic in the context of primary ciliary dyskinesia, DNAH5-related. This variant is predicted to lead to an abnormal or absent protein product due to the creation of a premature termination codon in DNAH5, a gene where loss-of-function variants are known to be pathogenic. Please note: this variant was assessed in the context of healthy population screening.